The following is an entry in ClinVar:

NM_004369.4(COL6A3):c.4129G>T (p.Glu1377Ter)

Gene: COL6A3 (collagen type VI alpha 3 chain; minus strand). Cytogenetic location: 2q37.3.
Variant type: single nucleotide variant.
Coding change: c.4129G>T on transcript NM_004369.4 (MANE Select); coding-DNA position 4129, G replaced by T.
Protein change: p.Glu1377Ter; replaces glutamic acid 1377 with a stop codon.
Molecular consequence: nonsense.
Genome position (GRCh38, 1-based): chr2:237,371,888, C>A on the plus strand (G>T on the coding strand, the complement: COL6A3 is on the minus strand). VCF-style: chr2-237371888-C-A. GRCh37 (hg19) VCF-style: chr2-238280531-C-A.
Other names: c.2908G>T, p.Glu970Ter (NM_057164.5); c.3511G>T, p.Glu1171Ter (NM_057165.5, NM_057167.4); c.2308G>T, p.Glu770Ter (NM_057166.5); short protein forms E1171*, E1377*, E770*, E970*.
Identifiers: ClinVar variation 1805296 (VCV001805296.1), dbSNP rs1420946936, ClinGen allele CA351196879.

ClinVar aggregate classification (germline): Uncertain significance (1 of 4 stars; one submission).

Conditions:
Collagen 6-related myopathy. Identifiers: MedGen CN117976, MONDO:0100225.

Allele frequency attached by ClinVar (database versions not stated): gnomAD exomes below 0.00001.
gnomAD v4.1: 5 of 1,613,878 alleles (0.00031%); highest among the groups gnomAD compares: Non-Finnish European, 0.00042%; no homozygotes.

Submission:

Victorian Clinical Genetics Services, Murdoch Childrens Research Institute
Classification: Uncertain significance for Collagen 6-related myopathy. Last evaluated: 2019-08-28. Review status: criteria provided, single submitter. Criteria: ACMG Guidelines, 2015. Collection method: clinical testing. Allele origin: germline.
Comment: A heterozygous deletion-insertion variant was identified, NM_004369.3(COL6A3):c.4129_4130delins in exon 9 of 44 of the COL6A3 gene. This deletion-insertion is predicted to create a major amino acid change from a glutamine to a leucine at position 1377 of the protein, NP_004360.2(COL6A3):p.(Glu1377Leu). The glutamine at this position has low conservation (100 vertebrates, UCSC), and is located within the VWA domain. In silico software predicts this variant to be disease causing (Polyphen, SIFT, Mutation Taster). The variant is present in the gnomAD population database at a frequency of 0.0004% (1 heterozygote, 0 homozygotes). The variant has not been previously reported in clinical cases. Based on information available at the time of curation, this variant has been classified a VARIANT of UNCERTAIN SIGNIFICANCE (VUS).